The following is an entry in ClinVar:

NM_022893.4(BCL11A):c.1755C>G (p.Cys585Trp)

Gene: BCL11A (BCL11 transcription factor A; minus strand). Cytogenetic location: 2p16.1.
Variant type: single nucleotide variant.
Coding change: c.1755C>G on transcript NM_022893.4 (MANE Select); coding-DNA position 1755, C replaced by G.
Protein change: p.Cys585Trp; replaces cysteine 585 with tryptophan.
Molecular consequence: missense variant. On other transcripts: intron variant (6).
Genome position (GRCh38, 1-based): chr2:60,461,157, G>C on the plus strand (C>G on the coding strand, the complement: BCL11A is on the minus strand). VCF-style: chr2-60461157-G-C. GRCh37 (hg19) VCF-style: chr2-60688292-G-C.
Other names: c.1653C>G, p.Cys551Trp (NM_001363864.1, NM_001365609.1, NM_001405711.1 and 2 more transcripts); c.1755C>G, p.Cys585Trp (NM_001405708.1, NM_001405709.1, NM_001405710.1 and 1 more transcripts); c.1599C>G, p.Cys533Trp (NM_001405713.1, NM_001405714.1, NM_001405715.1 and 3 more transcripts); c.1497C>G, p.Cys499Trp (NM_001405717.1, NM_001405718.1, NM_001405724.1); c.1422C>G, p.Cys474Trp (NM_001405720.1, NM_001405721.1); c.1299C>G, p.Cys433Trp (NM_001405725.1, NM_001405726.1, NM_001405727.1 and 1 more transcripts); c.1062C>G, p.Cys354Trp (NM_001405729.1); c.1218C>G, p.Cys406Trp (NM_001405730.1); and 5 more; short protein forms C254W, C354W, C406W, C433W, C474W, C499W, C533W, C551W.
Identifiers: ClinVar variation 4882012 (VCV004882012.2).

ClinVar aggregate classification (germline): Uncertain significance (1 of 4 stars; one submission).

Submission:

Dasa
Classification: Uncertain significance. Last evaluated: 2026-04-26. Review status: criteria provided, single submitter. Criteria: DASA Assertion Criteria. Collection method: clinical testing. Allele origin: germline.
Comment: NM_022893.4(BCL11A):c.1755C>G (p.Cys585Trp) is a missense variant that results in the substitution of cysteine with tryptophan. This variant is rare in population databases. The currently available literature and clinical evidence are not sufficient to establish a definitive association between this variant and the reported condition. Therefore, this variant is classified as a variant of uncertain significance.